The following is an entry in ClinVar:

NM_016180.5(SLC45A2):c.129C>A (p.Phe43Leu)

Gene: SLC45A2 (solute carrier family 45 member 2; minus strand). Cytogenetic location: 5p13.2.
Variant type: single nucleotide variant.
Coding change: c.129C>A on transcript NM_016180.5 (MANE Select); coding-DNA position 129, C replaced by A.
Protein change: p.Phe43Leu; replaces phenylalanine 43 with leucine.
Molecular consequence: missense variant.
Genome position (GRCh38, 1-based): chr5:33,984,455, G>T on the plus strand (C>A on the coding strand, the complement: SLC45A2 is on the minus strand). VCF-style: chr5-33984455-G-T. GRCh37 (hg19) VCF-style: chr5-33984560-G-T.
Other names: c.129C>A, p.Phe43Leu (NM_001012509.4, NM_001297417.4); short protein forms F43L.
Identifiers: ClinVar variation 2413796 (VCV002413796.3), dbSNP rs1049619183, ClinGen allele CA116903786.

ClinVar aggregate classification (germline): Uncertain significance (1 of 4 stars; one submission).

gnomAD v4.1: 14 of 1,613,620 alleles (0.00087%); highest among the groups gnomAD compares: African/African-American, 0.0013%; no homozygotes.

Submission:

Labcorp Genetics (formerly Invitae), Labcorp
Classification: Uncertain significance. Last evaluated: 2022-04-16. Review status: criteria provided, single submitter. Criteria: Invitae Variant Classification Sherloc (09022015). Collection method: clinical testing. Allele origin: germline.
Comment: This sequence change replaces phenylalanine, which is neutral and non-polar, with leucine, which is neutral and non-polar, at codon 43 of the SLC45A2 protein (p.Phe43Leu). This variant is present in population databases (no rsID available, gnomAD 0.003%). This variant has not been reported in the literature in individuals affected with SLC45A2-related conditions. Algorithms developed to predict the effect of missense changes on protein structure and function output the following: SIFT: "Tolerated"; PolyPhen-2: "Benign"; Align-GVGD: "Class C0". The leucine amino acid residue is found in multiple mammalian species, which suggests that this missense change does not adversely affect protein function. In summary, the available evidence is currently insufficient to determine the role of this variant in disease. Therefore, it has been classified as a Variant of Uncertain Significance.